The following is an entry in ClinVar:

NM_020751.3(COG6):c.917G>T (p.Arg306Met)

Gene: COG6 (component of oligomeric golgi complex 6; plus strand). Cytogenetic location: 13q14.11.
Variant type: single nucleotide variant.
Coding change: c.917G>T on transcript NM_020751.3 (MANE Select); coding-DNA position 917, G replaced by T.
Protein change: p.Arg306Met; replaces arginine 306 with methionine.
Molecular consequence: missense variant. On other transcripts: non-coding transcript variant (1).
Genome position (GRCh38, 1-based): chr13:39,687,631, G>T. VCF-style: chr13-39687631-G-T. GRCh37 (hg19) VCF-style: chr13-40261768-G-T.
Other names: c.917G>T, p.Arg306Met (NM_001145079.2); short protein forms R306M.
Identifiers: ClinVar variation 373002 (VCV000373002.1), dbSNP rs1057518132, ClinGen allele CA16042918.

ClinVar aggregate classification (germline): Uncertain significance (1 of 4 stars; one submission).

Submission:

GeneDx
Classification: Uncertain significance. Last evaluated: 2016-07-26. Review status: criteria provided, single submitter. Criteria: GeneDx Variant Classification (06012015). Collection method: clinical testing. Allele origin: germline. Affected: yes.
Comment: The R306M (c.917 G>T) variant has not been published as a pathogenic variant, nor has it been reported as a benign variant to our knowledge. The R306M (c.917 G>T) variant was not observed in approximately 6,500 individuals of European and African American ancestry in the NHLBI Exome Sequencing Project, indicating it is not a common benign variant in these populations. The R306M variant is a non-conservative amino acid substitution, which is likely to impact secondary protein structure as these residues differ in polarity, charge, size and/or other properties. This substitution occurs at a position that is conserved across species, and in silico analysis predicts this variant is probably damaging to the protein structure/function. Additionally, several in-silico splice prediction models predict that c.917 G>T variant responsible for R306M destroys the splice donor site for intron 9 which may supplant the natural donor site and lead to abnormal gene splicing. However, in the absence of RNA/functional studies, the actual effect of this sequence change in this individual is unknown. Therefore, based on the currently available information, it is unclear whether this variant is a pathogenic variant or a rare benign variant.